The following is an entry in ClinVar:

NM_025212.4(CXXC4):c.351T>G (p.Gly117=)

Genes: CXXC4 (CXXC finger protein 4; minus strand), CXXC4-AS1 (CXXC4 antisense RNA 1; plus strand). Cytogenetic location: 4q24.
Variant type: single nucleotide variant.
Coding change: c.351T>G on transcript NM_025212.4 (MANE Select); coding-DNA position 351, T replaced by G.
Protein change: p.Gly117=; no amino-acid change (glycine 117 retained).
Molecular consequence: synonymous variant.
Genome position (GRCh38, 1-based): chr4:104,491,452, A>C on the plus strand (T>G on the coding strand, the complement: CXXC4 is on the minus strand). VCF-style: chr4-104491452-A-C. GRCh37 (hg19) VCF-style: chr4-105412609-A-C.
Identifiers: ClinVar variation 2654993 (VCV002654993.24), dbSNP rs1023816027, ClinGen allele CA103293262.

ClinVar aggregate classification (germline): Likely benign (1 of 4 stars; one submission).

gnomAD v4.1: 127 of 789,578 alleles (0.016%); highest among the groups gnomAD compares: African/African-American, 0.085%; no homozygotes.

Submission:

CeGaT Center for Human Genetics Tuebingen
Classification: Likely benign. Last evaluated: 2024-02-01. Review status: criteria provided, single submitter. Criteria: CeGaT Center For Human Genetics Tuebingen Variant Classification Criteria Version 2. Collection method: clinical testing. Allele origin: germline. Affected: yes. Observed: 2 variant alleles.
Comment: CXXC4: BP4, BP7